The following is an entry in ClinVar:

ClinVar aggregate classification (germline): Uncertain significance (0 of 4 stars; one submission).

Conditions:
INSR-related disorder.

gnomAD v4.1: 33 of 1,614,074 alleles (0.002%); highest among the groups gnomAD compares: African/African-American, 0.0093%; no homozygotes.

Submission:

PreventionGenetics, part of Exact Sciences
Classification: Uncertain significance for INSR-related condition. Last evaluated: 2024-04-22. Review status: no assertion criteria provided. Collection method: clinical testing. Allele origin: germline.
Comment: The INSR c.3173C>T variant is predicted to result in the amino acid substitution p.Thr1058Met. To our knowledge, this variant has not been reported in the literature. This variant is reported in 0.0062% of alleles in individuals of African descent in gnomAD. At this time, the clinical significance of this variant is uncertain due to the absence of conclusive functional and genetic evidence.

NM_000208.4(INSR):c.3173C>T (p.Thr1058Met)

Gene: INSR (insulin receptor; minus strand). Cytogenetic location: 19p13.2.
Variant type: single nucleotide variant.
Coding change: c.3173C>T on transcript NM_000208.4 (MANE Select); coding-DNA position 3173, C replaced by T.
Protein change: p.Thr1058Met; replaces threonine 1058 with methionine.
Molecular consequence: missense variant.
Genome position (GRCh38, 1-based): chr19:7,125,368, G>A on the plus strand (C>T on the coding strand, the complement: INSR is on the minus strand). VCF-style: chr19-7125368-G-A. GRCh37 (hg19) VCF-style: chr19-7125379-G-A.
Other names: c.3137C>T, p.Thr1046Met (NM_001079817.3); short protein forms T1046M, T1058M.
Identifiers: ClinVar variation 3355022 (VCV003355022.1).